The following is an entry in ClinVar:

ClinVar aggregate classification (germline): Pathogenic (1 of 4 stars; one submission).

Conditions:
Hereditary hyperekplexia. Identifiers: Orphanet 3197, MedGen C4084968, MONDO:0021022.

Submission:

Labcorp Genetics (formerly Invitae), Labcorp
Classification: Pathogenic for Hereditary hyperekplexia. Last evaluated: 2023-08-29. Review status: criteria provided, single submitter. Criteria: Invitae Variant Classification Sherloc (09022015). Collection method: clinical testing. Allele origin: unknown.
Comment: This variant has not been reported in the literature in individuals affected with GLRA1-related conditions. For these reasons, this variant has been classified as Pathogenic. This variant is a gross deletion of the genomic region encompassing exon(s) 2-5 of the GLRA1 gene. This deletion is out-of-frame, and is expected to create a premature termination codon and result in an absent or disrupted protein product. Loss-of-function variants in GLRA1 are known to be pathogenic (PMID: 20631190, 24108130).

Literature cited by the submitters: PubMed 20631190; PubMed 24108130.

NC_000005.9:g.(?_151235842)_(151272019_?)del

Gene: GLRA1 (glycine receptor alpha 1; minus strand). Cytogenetic location: 5q33.1.
Variant type: Deletion.
Identifiers: ClinVar variation 3246325 (VCV003246325.1).